The following is an entry in ClinVar:

ClinVar aggregate classification (germline): Benign. Review status: criteria provided, multiple submitters, no conflicts (2 of 4 stars). 2 submissions from 2 submitters: Benign (2). Last evaluated 2018-06-14.

Allele frequency attached by ClinVar (database versions not stated): 1000 Genomes Project 0.38179; 1000 Genomes Project 30x 0.38304; TOPMed 0.49018; gnomAD 0.50716 and 0.51226; gnomAD exomes 0.57170.
gnomAD v4.1: 232,380 of 422,582 alleles (55%); highest among the groups gnomAD compares: Middle Eastern, 67%; 69,648 homozygotes.

Submissions (2):

GeneDx
Classification: Benign. Last evaluated: 2018-06-14. Review status: criteria provided, single submitter. Criteria: GeneDx Variant Classification (06012015). Collection method: clinical testing. Allele origin: germline. Affected: yes.
Comment: This variant is considered likely benign or benign based on one or more of the following criteria: it is a conservative change, it occurs at a poorly conserved position in the protein, it is predicted to be benign by multiple in silico algorithms, and/or has population frequency not consistent with disease.

Breakthrough Genomics
Classification: Benign. Review status: criteria provided, single submitter. Criteria: ACMG Guidelines, 2015. Collection method: not provided. Allele origin: germline. Inheritance: Autosomal recessive inheritance. Affected: yes.

NM_182916.3(TRNT1):c.148+253G>A

Gene: TRNT1 (tRNA nucleotidyl transferase 1; plus strand). Cytogenetic location: 3p26.2.
Variant type: single nucleotide variant.
Coding change: c.148+253G>A on transcript NM_182916.3 (MANE Select); 253 bases into the intron after coding-DNA position 148, G replaced by A.
Molecular consequence: intron variant.
Genome position (GRCh38, 1-based): chr3:3,129,441, G>A. VCF-style: chr3-3129441-G-A. GRCh37 (hg19) VCF-style: chr3-3171125-G-A.
Other names: c.148+253G>A (NM_001367321.1, NM_001367323.1, NM_001367322.1 and 1 more transcripts).
Identifiers: ClinVar variation 669584 (VCV000669584.2), dbSNP rs334770, ClinGen allele CA11526355.
Genomic context (GRCh38, chr3:3,129,441, plus strand): 5'-AAATGCTGGGATTACAGGTGTGAGCCACGGTGCCCAATGTGCACGTTTTCATTGTTGGAA[G>A]AAAGGCTTGGCTGGGTGTACCCAGCCTGTAATCTCTTGGGGAGGCCAAGGTAGGAGGATT-3'